The following is an entry in ClinVar:

NM_001382567.1(STIM1):c.1394G>A (p.Arg465His)

Gene: STIM1 (stromal interaction molecule 1; plus strand). Cytogenetic location: 11p15.4.
Variant type: single nucleotide variant.
Coding change: c.1394G>A on transcript NM_001382567.1 (MANE Select); coding-DNA position 1394, G replaced by A.
Protein change: p.Arg465His; replaces arginine 465 with histidine.
Molecular consequence: missense variant. On other transcripts: non-coding transcript variant (2).
Genome position (GRCh38, 1-based): chr11:4,083,418, G>A. VCF-style: chr11-4083418-G-A. GRCh37 (hg19) VCF-style: chr11-4104648-G-A.
Other names: c.1394G>A (NM_003156.3); c.1394G>A, p.Arg465His (NM_001277961.3, NM_001277962.2, NM_003156.4); c.1172G>A, p.Arg391His (NM_001382566.1, NM_001382573.1, NM_001382575.1 and 4 more transcripts); c.1415G>A, p.Arg472His (NM_001382568.1); c.1259G>A, p.Arg420His (NM_001382569.1); c.1166G>A, p.Arg389His (NM_001382570.1); c.914G>A, p.Arg305His (NM_001382571.1); c.905G>A, p.Arg302His (NM_001382580.1, NM_001382581.1); short protein forms R302H, R305H, R389H, R391H, R420H, R465H, R472H.
Identifiers: ClinVar variation 1016603 (VCV001016603.10), dbSNP rs375914426, ClinGen allele CA5830458.
Genomic context (GRCh38, chr11:4,083,418, plus strand): 5'-CTGGCATCCACTCACTGGTGGCTGCCCTCAACATAGACCCCAGCTGGATGGGCAGTACAC[G>A]CCCCAACCCTGCTCACTTCATCATGACTGACGACGTGGATGACATGGATGAGGAGATTGT-3'
Protein context (NP_001369496.1, residues 455-475): NIDPSWMGST[Arg465His]PNPAHFIMTD

ClinVar aggregate classification (germline): Uncertain significance. Review status: criteria provided, multiple submitters, no conflicts (2 of 4 stars). 3 submissions from 3 submitters: Uncertain significance (3). Last evaluated 2025-03-30.

Conditions:
Inborn genetic diseases. Identifiers: MedGen C0950123, MeSH D030342.
Stormorken syndrome (STRMK). Also called: THROMBOCYTOPATHY, ASPLENIA, AND MIOSIS. Identifiers: Orphanet 3204, MedGen C1861451, MONDO:0008497, OMIM 185070.
Myopathy with tubular aggregates (TAM). Also called: Tubular Aggregate Myopathy. Identifiers: Orphanet 2593, MedGen C0410207, MONDO:0008051.
Combined immunodeficiency due to STIM1 deficiency. Also called: STIM1 DEFICIENCY; IMMUNODEFICIENCY 10. Identifiers: Orphanet 169090, Orphanet 317430, MedGen C2748557, MONDO:0013008, OMIM 612783.

Allele frequency attached by ClinVar (database versions not stated): gnomAD exomes 0.00004; ESP Exome Variant Server 0.00008; gnomAD 0.00005; TOPMed 0.00005; ExAC 0.00004.
gnomAD v4.1: 32 of 1,614,092 alleles (0.002%); highest among the groups gnomAD compares: East Asian, 0.0089%; no homozygotes.

Submissions (3):

Labcorp Genetics (formerly Invitae), Labcorp
Classification: Uncertain significance for Myopathy with tubular aggregates; Combined immunodeficiency due to STIM1 deficiency; Stormorken syndrome. Last evaluated: 2025-03-30. Review status: criteria provided, single submitter. Criteria: Invitae Variant Classification Sherloc (09022015). Collection method: clinical testing. Allele origin: germline.
Comment: This sequence change replaces arginine, which is basic and polar, with histidine, which is basic and polar, at codon 465 of the STIM1 protein (p.Arg465His). This variant is present in population databases (rs375914426, gnomAD 0.02%). This variant has not been reported in the literature in individuals affected with STIM1-related conditions. ClinVar contains an entry for this variant (Variation ID: 1016603). Invitae Evidence Modeling of protein sequence and biophysical properties (such as structural, functional, and spatial information, amino acid conservation, physicochemical variation, residue mobility, and thermodynamic stability) has been performed for this missense variant. However, the output from this modeling did not meet the statistical confidence thresholds required to predict the impact of this variant on STIM1 protein function. In summary, the available evidence is currently insufficient to determine the role of this variant in disease. Therefore, it has been classified as a Variant of Uncertain Significance.

Revvity Omics, Revvity
Classification: Uncertain significance. Last evaluated: 2023-05-08. Review status: criteria provided, single submitter. Criteria: ACMG Guidelines, 2015. Collection method: clinical testing. Allele origin: germline.

Ambry Genetics
Classification: Uncertain significance for Inborn genetic diseases. Last evaluated: 2022-12-01. Review status: criteria provided, single submitter. Criteria: Ambry Variant Classification Scheme 2023. Collection method: clinical testing. Allele origin: germline.